The following is an entry in ClinVar:

NM_000484.4(APP):c.2212-11_2212-10del

Gene: APP (amyloid beta precursor protein; minus strand). Cytogenetic location: 21q21.3.
Variant type: Deletion.
Coding change: c.2212-11_2212-10del on transcript NM_000484.4 (MANE Select); 11 bases into the intron before coding-DNA position 2212 through 10 bases into the intron before coding-DNA position 2212, 2 bases deleted (TT; older notation c.2212-11_2212-10delTT).
Molecular consequence: intron variant.
Genome position (GRCh38, 1-based): chr21:25,881,781-25,881,782, AA deleted on the plus strand (TT on the coding strand, the reverse complement: APP is on the minus strand). VCF-style (leftmost placement, unchanged base first): chr21-25881780-CAA-C. GRCh37 (hg19) VCF-style: chr21-27254091-CAA-C.
Other names: p.?; c.2212-11_2212-10delTT (NM_000484.4, NM_000484.3); c.1882-11_1882-10del (NM_001136131.3); c.1819-11_1819-10del (NM_001136129.3); c.2044-11_2044-10del (NM_001136130.3, NM_001385253.1); c.1933-11_1933-10del (NM_001204303.2); c.1987-11_1987-10del (NM_201414.3); c.2101-11_2101-10del (NM_001204302.2); and 3 more.
Identifiers: ClinVar variation 585433 (VCV000585433.20), dbSNP rs112965435, ClinGen allele CA9987025.

ClinVar aggregate classification (germline): Benign. Review status: criteria provided, multiple submitters, no conflicts (2 of 4 stars). 8 submissions from 8 submitters: Benign (5). 3 of the submissions do not count toward it. Last evaluated 2026-01-26.

Conditions:
Alzheimer disease. Also called: Alzheimer's disease; Presenile and senile dementia. Identifiers: Orphanet 1020, MedGen C0002395, MeSH D000544, MONDO:0004975, HP:0002511.

Allele frequency attached by ClinVar (database versions not stated): gnomAD exomes 0.00052 and 0.00079; 1000 Genomes Project 0.00080; ExAC 0.00096; gnomAD 0.00185 and 0.00206; TOPMed 0.00228.

Submissions (8):

Labcorp Genetics (formerly Invitae), Labcorp
Classification: Benign for Alzheimer disease. Last evaluated: 2026-01-26. Review status: criteria provided, single submitter. Criteria: Invitae Variant Classification Sherloc (09022015). Collection method: clinical testing. Allele origin: germline.

Women's Health and Genetics/Laboratory Corporation of America, LabCorp
Classification: Benign. Last evaluated: 2024-09-30. Review status: criteria provided, single submitter. Criteria: LabCorp Variant Classification Summary - May 2015. Collection method: clinical testing. Allele origin: germline.
Comment: Variant summary: APP c.2212-11_2212-10delTT alters a nucleotide located at a position not widely known to affect splicing. Consensus agreement among computation tools predict no significant impact on normal splicing. However, these predictions have yet to be confirmed by functional studies. The variant allele was found at a frequency of 0.00079 in 250828 control chromosomes, predominantly at a frequency of 0.0055 within the African or African-American subpopulation in the gnomAD database. The observed variant frequency within African or African-American control individuals in the gnomAD database exceeds the estimated maximal expected allele frequency for a pathogenic variant in APP causing Alzheimer Disease phenotype. c.2212-11_2212-10delTT has been reported in the literature in individuals affected with Alzheimer Disease. These report(s) do not provide unequivocal conclusions about association of the variant with Alzheimer Disease. To our knowledge, no experimental evidence demonstrating an impact on protein function has been reported. ClinVar contains an entry for this variant (Variation ID: 585433). Based on the evidence outlined above, the variant was classified as benign.

Mayo Clinic Laboratories, Mayo Clinic
Classification: Benign. Last evaluated: 2024-05-14. Review status: criteria provided, single submitter. Criteria: ACMG Guidelines, 2015. Collection method: clinical testing. Allele origin: germline. Observed: 4 variant alleles.
Comment: BS1, BS2

ARUP Laboratories, Molecular Genetics and Genomics, ARUP Laboratories
Classification: Benign. Last evaluated: 2023-11-09. Review status: criteria provided, single submitter. Criteria: ARUP Molecular Germline Variant Investigation Process 2024. Collection method: clinical testing. Allele origin: germline.

Athena Diagnostics
Classification: Benign. Last evaluated: 2017-12-18. Review status: criteria provided, single submitter. Criteria: Athena Diagnostics Criteria. Collection method: clinical testing. Allele origin: germline.

Clinical Genetics DNA and cytogenetics Diagnostics Lab, Erasmus MC, Erasmus Medical Center
Classification: Likely benign. Review status: no assertion criteria provided. Collection method: clinical testing. Allele origin: germline. Affected: yes. Study: VKGL Data-share Consensus. Not counted in ClinVar's aggregate classification.

Genome Diagnostics Laboratory, Amsterdam University Medical Center
Classification: Benign. Review status: no assertion criteria provided. Collection method: clinical testing. Allele origin: germline. Affected: yes. Study: VKGL Data-share Consensus. Not counted in ClinVar's aggregate classification.

Laboratory of Diagnostic Genome Analysis, Leiden University Medical Center (LUMC)
Classification: Likely benign. Review status: no assertion criteria provided. Collection method: clinical testing. Allele origin: germline. Affected: yes. Study: VKGL Data-share Consensus. Not counted in ClinVar's aggregate classification.

Literature cited by the submitters: PubMed 25604855 (cited by Women's Health and Genetics/Laboratory Corporation of America, LabCorp and Mayo Clinic Laboratories, Mayo Clinic).